The following is an entry in ClinVar:

NM_013254.4(TBK1):c.142C>G (p.Pro48Ala)

Gene: TBK1 (TANK binding kinase 1; plus strand). Cytogenetic location: 12q14.2.
Variant type: single nucleotide variant.
Coding change: c.142C>G on transcript NM_013254.4 (MANE Select); coding-DNA position 142, C replaced by G.
Protein change: p.Pro48Ala; replaces proline 48 with alanine.
Molecular consequence: missense variant.
Genome position (GRCh38, 1-based): chr12:64,460,243, C>G. VCF-style: chr12-64460243-C-G. GRCh37 (hg19) VCF-style: chr12-64854023-C-G.
Other names: short protein forms P48A.
Identifiers: ClinVar variation 1394835 (VCV001394835.6), dbSNP rs2136056652, ClinGen allele CA385594436.

ClinVar aggregate classification (germline): Uncertain significance (1 of 4 stars; one submission).

Conditions:
Frontotemporal dementia and/or amyotrophic lateral sclerosis 4. Also called: FTDALS4. Identifiers: Orphanet 275872, MedGen C4225325, MONDO:0014641, OMIM 616439.

Submission:

Labcorp Genetics (formerly Invitae), Labcorp
Classification: Uncertain significance for Frontotemporal dementia and/or amyotrophic lateral sclerosis 4. Last evaluated: 2021-11-24. Review status: criteria provided, single submitter. Criteria: Invitae Variant Classification Sherloc (09022015). Collection method: clinical testing. Allele origin: germline.
Comment: In summary, the available evidence is currently insufficient to determine the role of this variant in disease. Therefore, it has been classified as a Variant of Uncertain Significance. Advanced modeling of protein sequence and biophysical properties (such as structural, functional, and spatial information, amino acid conservation, physicochemical variation, residue mobility, and thermodynamic stability) performed at Invitae indicates that this missense variant is not expected to disrupt TBK1 protein function. This variant has not been reported in the literature in individuals affected with TBK1-related conditions. This variant is not present in population databases (gnomAD no frequency). This sequence change replaces proline, which is neutral and non-polar, with alanine, which is neutral and non-polar, at codon 48 of the TBK1 protein (p.Pro48Ala).